The following is an entry in ClinVar:

ClinVar aggregate classification (germline): Pathogenic/Likely pathogenic. Review status: criteria provided, multiple submitters, no conflicts (2 of 4 stars). 2 submissions from 2 submitters: Pathogenic (1); Likely pathogenic (1). Last evaluated 2020-06-24.

Conditions:
Breast-ovarian cancer, familial, susceptibility to, 2 (BROVCA2). Also called: BRCA2 Hereditary Breast and Ovarian Cancer. Identifiers: Orphanet 145, MedGen C2675520, MONDO:0012933, OMIM 612555. Disease mechanism: loss of function.
Hereditary cancer-predisposing syndrome. Also called: Tumor predisposition; Hereditary neoplastic syndrome; Neoplastic Syndromes, Hereditary; Hereditary Cancer Syndrome. Identifiers: Orphanet 140162, MedGen C0027672, MeSH D009386, MONDO:0015356.

Submissions (2):

Ambry Genetics
Classification: Pathogenic for Hereditary cancer-predisposing syndrome. Last evaluated: 2020-06-24. Review status: criteria provided, single submitter. Criteria: Ambry Variant Classification Scheme 2023. Collection method: clinical testing. Allele origin: germline.
Comment: The c.8792delA pathogenic mutation, located in coding exon 21 of the BRCA2 gene, results from a deletion of one nucleotide at nucleotide position 8792, causing a translational frameshift with a predicted alternate stop codon (p.N2931Ifs*6). This alteration is expected to result in loss of function by premature protein truncation or nonsense-mediated mRNA decay. As such, this alteration is interpreted as a disease-causing mutation.

Centre for Mendelian Genomics, University Medical Centre Ljubljana
Classification: Likely pathogenic for Breast-ovarian cancer, familial, susceptibility to, 2. Last evaluated: 2016-01-01. Review status: criteria provided, single submitter. Criteria: ACMG Guidelines, 2015. Collection method: clinical testing. Allele origin: unknown. Affected: yes.
Comment: This variant was classified as: Likely pathogenic.

NM_000059.4(BRCA2):c.8792del (p.Asn2931fs)

Gene: BRCA2 (BRCA2 DNA repair associated; plus strand). Cytogenetic location: 13q13.1.
Variant type: Deletion.
Coding change: c.8792del on transcript NM_000059.4 (MANE Select); coding-DNA position 8792, one base deleted (A; older notation c.8792delA).
Protein change: p.Asn2931fs; shifts the reading frame from asparagine 2931.
Molecular consequence: frameshift variant.
Genome position (GRCh38, 1-based): chr13:32,379,354, A deleted; the last of 2 consecutive A bases (chr13:32,379,353-32,379,354); deleting either gives the same sequence. VCF-style (leftmost placement, unchanged base first): chr13-32379352-TA-T. GRCh37 (hg19) VCF-style: chr13-32953489-TA-T.
Other names: short protein forms N2931fs.
Identifiers: ClinVar variation 930535 (VCV000930535.5), dbSNP rs2072898210, ClinGen allele CA1139663188.